The following is an entry in ClinVar:

NM_138295.5(PKD1L1):c.1093G>T (p.Asp365Tyr)

Gene: PKD1L1 (polycystin 1 like 1, transient receptor potential channel interacting; minus strand). Cytogenetic location: 7p12.3.
Variant type: single nucleotide variant.
Coding change: c.1093G>T on transcript NM_138295.5 (MANE Select); coding-DNA position 1093, G replaced by T.
Protein change: p.Asp365Tyr; replaces aspartic acid 365 with tyrosine.
Molecular consequence: missense variant.
Genome position (GRCh38, 1-based): chr7:47,915,567, C>A on the plus strand (G>T on the coding strand, the complement: PKD1L1 is on the minus strand). VCF-style: chr7-47915567-C-A. GRCh37 (hg19) VCF-style: chr7-47955164-C-A.
Other names: c.1093G>T (NM_138295.3); short protein forms D365Y.
Identifiers: ClinVar variation 1940357 (VCV001940357.6), dbSNP rs775653311, ClinGen allele CA4254149.

ClinVar aggregate classification (germline): Uncertain significance. Review status: criteria provided, multiple submitters, no conflicts (2 of 4 stars). 2 submissions from 2 submitters: Uncertain significance (2). Last evaluated 2025-10-18.

Conditions:
Inborn genetic diseases. Identifiers: MedGen C0950123, MeSH D030342.

Allele frequency attached by ClinVar (database versions not stated): gnomAD exomes below 0.00001; ExAC 0.00001; gnomAD 0.00001; TOPMed 0.00002.
gnomAD v4.1: 3 of 1,548,066 alleles (0.00019%); highest among the groups gnomAD compares: Admixed American, 0.0035%; no homozygotes.

Submissions (2):

Ambry Genetics
Classification: Uncertain significance for Inborn genetic diseases. Last evaluated: 2025-10-18. Review status: criteria provided, single submitter. Criteria: Ambry Variant Classification Scheme 2023. Collection method: clinical testing. Allele origin: germline.

Labcorp Genetics (formerly Invitae), Labcorp
Classification: Uncertain significance. Last evaluated: 2022-05-03. Review status: criteria provided, single submitter. Criteria: Invitae Variant Classification Sherloc (09022015). Collection method: clinical testing. Allele origin: germline.
Comment: In summary, the available evidence is currently insufficient to determine the role of this variant in disease. Therefore, it has been classified as a Variant of Uncertain Significance. Algorithms developed to predict the effect of missense changes on protein structure and function are either unavailable or do not agree on the potential impact of this missense change (SIFT: "Deleterious"; PolyPhen-2: "Benign"; Align-GVGD: "Class C0"). This variant has not been reported in the literature in individuals affected with PKD1L1-related conditions. The frequency data for this variant in the population databases is considered unreliable, as metrics indicate poor data quality at this position in the gnomAD database. This sequence change replaces aspartic acid, which is acidic and polar, with tyrosine, which is neutral and polar, at codon 365 of the PKD1L1 protein (p.Asp365Tyr).